The following is an entry in ClinVar:

ClinVar aggregate classification (germline): Uncertain significance. Review status: criteria provided, multiple submitters, no conflicts (2 of 4 stars). 2 submissions from 2 submitters: Uncertain significance (2). Last evaluated 2025-09-22.

Submissions (2):

Labcorp Genetics (formerly Invitae), Labcorp
Classification: Uncertain significance. Last evaluated: 2025-09-22. Review status: criteria provided, single submitter. Criteria: Invitae Variant Classification Sherloc (09022015). Collection method: clinical testing. Allele origin: germline.
Comment: This sequence change replaces aspartic acid, which is acidic and polar, with tyrosine, which is neutral and polar, at codon 821 of the KANK4 protein (p.Asp821Tyr). This variant is present in population databases (rs776739426, gnomAD 0.02%). This missense change has been observed in individual(s) with bipolar disorder (PMID: 31400178). ClinVar contains an entry for this variant (Variation ID: 3112648). An algorithm developed to predict the effect of missense changes on protein structure and function (PolyPhen-2) suggests that this variant is likely to be disruptive. In summary, the available evidence is currently insufficient to determine the role of this variant in disease. Therefore, it has been classified as a Variant of Uncertain Significance.

Ambry Genetics
Classification: Uncertain significance. Last evaluated: 2023-09-25. Review status: criteria provided, single submitter. Criteria: Ambry Variant Classification Scheme 2023. Collection method: clinical testing. Allele origin: germline.
Comment: Does not currently meet published gene-disease clinical validity criteria Based on insufficient or conflicting evidence, the clinical significance of this alteration remains unclear.

Literature cited by the submitters: PubMed 31400178 (cited by Labcorp Genetics (formerly Invitae), Labcorp); PubMed 28106320 (cited by Ambry Genetics).

NM_181712.5(KANK4):c.2461G>T (p.Asp821Tyr)

Gene: KANK4 (KN motif and ankyrin repeat domains 4; minus strand). Cytogenetic location: 1p31.3.
Variant type: single nucleotide variant.
Coding change: c.2461G>T on transcript NM_181712.5 (MANE Select); coding-DNA position 2461, G replaced by T.
Protein change: p.Asp821Tyr; replaces aspartic acid 821 with tyrosine.
Molecular consequence: missense variant.
Genome position (GRCh38, 1-based): chr1:62,263,170, C>A on the plus strand (G>T on the coding strand, the complement: KANK4 is on the minus strand). VCF-style: chr1-62263170-C-A. GRCh37 (hg19) VCF-style: chr1-62728842-C-A.
Other names: c.577G>T, p.Asp193Tyr (NM_001320269.2); short protein forms D193Y, D821Y.
Identifiers: ClinVar variation 3112648 (VCV003112648.2), dbSNP rs776739426, ClinGen allele CA884091.